The following is an entry in ClinVar:

NM_021076.4(NEFH):c.2306C>T (p.Pro769Leu)

Gene: NEFH (neurofilament heavy chain; plus strand). Cytogenetic location: 22q12.2.
Variant type: single nucleotide variant.
Coding change: c.2306C>T on transcript NM_021076.4 (MANE Select); coding-DNA position 2306, C replaced by T.
Protein change: p.Pro769Leu; replaces proline 769 with leucine.
Molecular consequence: missense variant.
Genome position (GRCh38, 1-based): chr22:29,489,946, C>T. VCF-style: chr22-29489946-C-T. GRCh37 (hg19) VCF-style: chr22-29885935-C-T.
Other names: p.Pro769Leu; short protein forms P769L.
Identifiers: ClinVar variation 1789359 (VCV001789359.10), dbSNP rs1212640571, ClinGen allele CA411136855.

ClinVar aggregate classification (germline): Uncertain significance. Review status: criteria provided, multiple submitters, no conflicts (2 of 4 stars). 4 submissions from 4 submitters: Uncertain significance (4). Last evaluated 2026-05-26.

Conditions:
NEFH-related disorder. Also called: NEFH-related condition.
Inborn genetic diseases. Identifiers: MedGen C0950123, MeSH D030342.

Allele frequency attached by ClinVar (database versions not stated): gnomAD 0.00002; TOPMed 0.00002; gnomAD exomes 0.00005.
gnomAD v4.1: 81 of 1,612,964 alleles (0.005%); highest among the groups gnomAD compares: Non-Finnish European, 0.0066%; no homozygotes.

Submissions (4):

PreventionGenetics, part of Exact Sciences
Classification: Uncertain significance for NEFH-related condition. Last evaluated: 2026-05-26. Review status: criteria provided, single submitter. Criteria: ACMG Guidelines, 2015. Collection method: clinical testing. Allele origin: germline.
Comment: The NEFH c.2306C>T variant is predicted to result in the amino acid substitution p.Pro769Leu. To our knowledge, this variant has not been reported in the literature. This variant is reported in 0.0023% of alleles in individuals of European (non-Finnish) descent in gnomAD. At this time, the clinical significance of this variant is uncertain due to the absence of conclusive functional and genetic evidence.

Ambry Genetics
Classification: Uncertain significance for Inborn genetic diseases. Last evaluated: 2025-12-08. Review status: criteria provided, single submitter. Criteria: Ambry Variant Classification Scheme 2023. Collection method: clinical testing. Allele origin: germline.

Labcorp Genetics (formerly Invitae), Labcorp
Classification: Uncertain significance. Last evaluated: 2023-10-28. Review status: criteria provided, single submitter. Criteria: Invitae Variant Classification Sherloc (09022015). Collection method: clinical testing. Allele origin: germline.
Comment: This sequence change replaces proline, which is neutral and non-polar, with leucine, which is neutral and non-polar, at codon 769 of the NEFH protein (p.Pro769Leu). This variant is present in population databases (no rsID available, gnomAD 0.002%). This missense change has been observed in individual(s) with clinical features of NEFH-related conditions (Invitae). ClinVar contains an entry for this variant (Variation ID: 1789359). Advanced modeling of protein sequence and biophysical properties (such as structural, functional, and spatial information, amino acid conservation, physicochemical variation, residue mobility, and thermodynamic stability) performed at Invitae indicates that this missense variant is not expected to disrupt NEFH protein function with a negative predictive value of 95%. In summary, the available evidence is currently insufficient to determine the role of this variant in disease. Therefore, it has been classified as a Variant of Uncertain Significance.

Mayo Clinic Laboratories, Mayo Clinic
Classification: Uncertain significance. Last evaluated: 2023-02-06. Review status: criteria provided, single submitter. Criteria: ACMG Guidelines, 2015. Collection method: clinical testing. Allele origin: germline. Observed: 1 variant allele.